The following is an entry in ClinVar:

ClinVar aggregate classification (germline): Uncertain significance. Review status: criteria provided, multiple submitters, no conflicts (2 of 4 stars). 2 submissions from 2 submitters: Uncertain significance (2). Last evaluated 2025-11-15.

Conditions:
Epidermolysis bullosa simplex 5C, with pyloric atresia (EBS5C). Also called: PLEC1-Related Epidermolysis Bullosa with Pyloric Atresia; PLEC-Related Epidermolysis Bullosa with Pyloric Atresia; Epidermolysis bullosa simplex with pyloric atresia. Identifiers: Orphanet 158684, MedGen C2677349, MONDO:0012807, OMIM 612138.
Epidermolysis bullosa simplex with nail dystrophy (EBS5D). Identifiers: MedGen C4225309, MONDO:0014661, OMIM 616487.
Autosomal recessive limb-girdle muscular dystrophy type 2Q (LGMDR17). Also called: MUSCULAR DYSTROPHY, LIMB-GIRDLE, AUTOSOMAL RECESSIVE 17. Identifiers: Orphanet 254361, MedGen C3150989, MONDO:0013390, OMIM 613723.
Epidermolysis bullosa simplex 5B, with muscular dystrophy (EBS5B). Also called: Epidermolysis bullosa simplex with muscular dystrophy; EPIDERMOLYSIS BULLOSA SIMPLEX AND LIMB-GIRDLE MUSCULAR DYSTROPHY. Identifiers: Orphanet 257, MedGen C2931072, MONDO:0009181, OMIM 226670.
Epidermolysis bullosa simplex, Ogna type (EBS5A). Also called: Pidermolysis bullosa simplex 5A, Ogna type; EPIDERMOLYSIS BULLOSA SIMPLEX 5A, OGNA TYPE. Identifiers: Orphanet 79401, MedGen C0432317, MONDO:0007555, OMIM 131950.

Allele frequency attached by ClinVar (database versions not stated): ExAC below 0.00001; gnomAD 0.00003; TOPMed 0.00004.
gnomAD v4.1: 57 of 1,534,726 alleles (0.0037%); highest among the groups gnomAD compares: Non-Finnish European, 0.0047%; no homozygotes.

Submissions (2):

Labcorp Genetics (formerly Invitae), Labcorp
Classification: Uncertain significance for Autosomal recessive limb-girdle muscular dystrophy type 2Q; Epidermolysis bullosa simplex, Ogna type; Epidermolysis bullosa simplex with nail dystrophy; Epidermolysis bullosa simplex 5C, with pyloric atresia; Epidermolysis bullosa simplex 5B, with muscular dystrophy. Last evaluated: 2025-11-15. Review status: criteria provided, single submitter. Criteria: Invitae Variant Classification Sherloc (09022015). Collection method: clinical testing. Allele origin: germline.
Comment: This sequence change replaces arginine, which is basic and polar, with leucine, which is neutral and non-polar, at codon 1777 of the PLEC protein (p.Arg1777Leu). This variant is present in population databases (rs782302326, gnomAD 0.008%). This variant has not been reported in the literature in individuals affected with PLEC-related conditions. ClinVar contains an entry for this variant (Variation ID: 576798). Experimental studies and prediction algorithms are not available or were not evaluated, and the functional significance of this variant is currently unknown. In summary, the available evidence is currently insufficient to determine the role of this variant in disease. Therefore, it has been classified as a Variant of Uncertain Significance.

Revvity Omics, Revvity
Classification: Uncertain significance. Last evaluated: 2021-07-22. Review status: criteria provided, single submitter. Criteria: ACMG Guidelines, 2015. Collection method: clinical testing. Allele origin: germline.

NM_201384.3(PLEC):c.5249G>T (p.Arg1750Leu)

Gene: PLEC (plectin; minus strand). Cytogenetic location: 8q24.3.
Variant type: single nucleotide variant.
Coding change: c.5249G>T on transcript NM_201384.3 (MANE Select); coding-DNA position 5249, G replaced by T.
Protein change: p.Arg1750Leu; replaces arginine 1750 with leucine.
Molecular consequence: missense variant.
Genome position (GRCh38, 1-based): chr8:143,924,680, C>A on the plus strand (G>T on the coding strand, the complement: PLEC is on the minus strand). VCF-style: chr8-143924680-C-A. GRCh37 (hg19) VCF-style: chr8-144998848-C-A.
Other names: c.5330G>T, p.Arg1777Leu (NM_000445.5); c.5207G>T, p.Arg1736Leu (NM_201378.4); c.5183G>T, p.Arg1728Leu (NM_201379.3); c.5660G>T, p.Arg1887Leu (NM_201380.4); c.5153G>T, p.Arg1718Leu (NM_201381.3); c.5249G>T, p.Arg1750Leu (NM_201382.4); c.5261G>T, p.Arg1754Leu (NM_201383.3); short protein forms R1718L, R1736L, R1750L, R1887L, R1728L, R1754L, R1777L.
Identifiers: ClinVar variation 576798 (VCV000576798.8), dbSNP rs782302326, ClinGen allele CA4926396.